The following is an entry in ClinVar:

NM_007294.4(BRCA1):c.1651A>G (p.Ser551Gly)

Gene: BRCA1 (BRCA1 DNA repair associated; minus strand). Cytogenetic location: 17q21.31.
Variant type: single nucleotide variant.
Coding change: c.1651A>G on transcript NM_007294.4 (MANE Select); coding-DNA position 1651, A replaced by G.
Protein change: p.Ser551Gly; replaces serine 551 with glycine.
Molecular consequence: missense variant. On other transcripts: intron variant (137).
Genome position (GRCh38, 1-based): chr17:43,093,880, T>C on the plus strand (A>G on the coding strand, the complement: BRCA1 is on the minus strand). VCF-style: chr17-43093880-T-C. GRCh37 (hg19) VCF-style: chr17-41245897-T-C.
Other names: p.S551G:AGT>GGT; c.1651A>G, p.Ser551Gly (NM_001407652.1, NM_007300.4, NM_001407581.1 and 30 more transcripts); c.1387A>G, p.Ser463Gly (NM_001407923.1, NM_001407924.1, NM_001407925.1 and 9 more transcripts); c.1573A>G, p.Ser525Gly (NM_001407653.1, NM_001407656.1, NM_001407657.1 and 4 more transcripts); c.1510A>G, p.Ser504Gly (NM_001407944.1, NM_001407945.1, NM_007297.4 and 29 more transcripts); c.1318A>G, p.Ser440Gly (NM_001407946.1, NM_001407947.1, NM_001407948.1 and 6 more transcripts); c.1315A>G, p.Ser439Gly (NM_001407954.1, NM_001407955.1, NM_001407956.1 and 1 more transcripts); c.1270A>G, p.Ser424Gly (NM_001407959.1, NM_001407960.1, NM_001407963.1); and 41 more; short protein forms S551G, S504G, S255G, S462G, S484G, S510G, S440G, S463G.
Identifiers: ClinVar variation 182134 (VCV000182134.10), dbSNP rs730881472, ClinGen allele CA001092.
Genomic context (GRCh38, chr17:43,093,880, plus strand): 5'-TTGGGTTAGGATTTTTCTCATTCTGAATAGAATCACCTTTTGTTTTATTCTCATGACCAC[T>C]ATTAGTAATATTCATCACTTGACCATTCTGCTCCGTTTGGTTAGTTCCCTGATTTATCAT-3'
Protein context (NP_009225.1, residues 541-561): QNGQVMNITN[Ser551Gly]GHENKTKGDS

ClinVar aggregate classification (germline): Conflicting classifications of pathogenicity. Review status: criteria provided, conflicting classifications (1 of 4 stars). 4 submissions from 4 submitters: Uncertain significance (3); Likely benign (1). Last evaluated 2025-10-07.

Conditions:
Hereditary cancer-predisposing syndrome. Also called: Tumor predisposition; Hereditary Cancer Syndrome; Hereditary neoplastic syndrome; Neoplastic Syndromes, Hereditary. Identifiers: Orphanet 140162, MedGen C0027672, MeSH D009386, MONDO:0015356.
Hereditary breast ovarian cancer syndrome. Also called: Breast and ovarian cancer; Hereditary breast and ovarian cancer; Hereditary breast and/or ovarian cancer syndrome; BRCA1- and BRCA2-Associated Hereditary Breast and Ovarian Cancer; Hereditary breast and ovarian cancer syndrome (HBOC); Hereditary breast and ovarian cancer syndrome. Identifiers: Orphanet 145, MedGen C0677776, MeSH D061325, MONDO:0003582. Disease mechanism: loss of function.

Submissions (4):

Labcorp Genetics (formerly Invitae), Labcorp
Classification: Uncertain significance for Hereditary breast ovarian cancer syndrome. Last evaluated: 2025-10-07. Review status: criteria provided, single submitter. Criteria: Invitae Variant Classification Sherloc (09022015). Collection method: clinical testing. Allele origin: germline.
Comment: This sequence change replaces serine, which is neutral and polar, with glycine, which is neutral and non-polar, at codon 551 of the BRCA1 protein (p.Ser551Gly). This variant is not present in population databases (gnomAD no frequency). This variant has not been reported in the literature in individuals affected with BRCA1-related conditions. ClinVar contains an entry for this variant (Variation ID: 182134). Invitae Evidence Modeling of protein sequence and biophysical properties (such as structural, functional, and spatial information, amino acid conservation, physicochemical variation, residue mobility, and thermodynamic stability) indicates that this missense variant is not expected to disrupt BRCA1 protein function with a negative predictive value of 80%. In summary, the available evidence is currently insufficient to determine the role of this variant in disease. Therefore, it has been classified as a Variant of Uncertain Significance.

University of Washington Department of Laboratory Medicine, University of Washington
Classification: Likely benign for Hereditary cancer-predisposing syndrome. Last evaluated: 2023-03-23. Review status: criteria provided, single submitter. Criteria: Dines et al. (Genet Med. 2020). Collection method: curation. Allele origin: germline.
Comment: Missense variant in a coldspot region where missense variants are very unlikely to be pathogenic (PMID:31911673).

BRCA1 coldspot (exon 11 using historical exon numbering). Reclassification based on statistical prior probability

Ambry Genetics
Classification: Uncertain significance for Hereditary cancer-predisposing syndrome. Last evaluated: 2022-12-18. Review status: criteria provided, single submitter. Criteria: Ambry Variant Classification Scheme 2023. Collection method: clinical testing. Allele origin: germline.
Comment: The p.S551G variant (also known as c.1651A>G), located in coding exon 9 of the BRCA1 gene, results from an A to G substitution at nucleotide position 1651. The serine at codon 551 is replaced by glycine, an amino acid with similar properties. This amino acid position is poorly conserved in available vertebrate species. In addition, the in silico prediction for this alteration is inconclusive. Since supporting evidence is limited at this time, the clinical significance of this alteration remains unclear.

GeneDx
Classification: Uncertain significance. Last evaluated: 2014-03-27. Review status: criteria provided, single submitter. Criteria: GeneDx Variant Classification (06012015). Collection method: clinical testing. Allele origin: germline. Affected: yes.
Comment: This variant is denoted BRCA1 c.1651A>G at the cDNA level, p.Ser551Gly (S551G) at the protein level, and results in the change of a Serine to a Glycine (AGT>GGT). This variant has not, to our knowledge, been published in the literature as pathogenic or benign. BRCA1 Ser551Gly was not observed in approximately 6,500 individuals of European and African American ancestry in the NHLBI Exome Sequencing Project, indicating it is not a common benign variant in these populations. Since Serine and Glycine differ in polarity, charge, size or other properties, this is considered a non-conservative amino acid substitution and is likely to affect protein integrity. BRCA1 Ser551Gly occurs at a position that is highly variable across species and is not located in a known functional domain. In silico analyses predict that this variant is unlikely to alter protein structure or function. Based on currently available information, it is unclear whether BRCA1 Ser551Gly is pathogenic or benign. We consider it to be a variant of uncertain significance.